The following is an entry in ClinVar:

NM_005589.4(ALDH6A1):c.*567C>T

Genes: ALDH6A1 (aldehyde dehydrogenase 6 family member A1; minus strand), BBOF1 (basal body orientation factor 1; plus strand). Cytogenetic location: 14q24.3.
Variant type: single nucleotide variant.
Coding change: c.*567C>T on transcript NM_005589.4 (MANE Select); 567 bases downstream of the stop codon, C replaced by T.
Molecular consequence: 3 prime UTR variant. On other transcripts: intron variant (1).
Genome position (GRCh38, 1-based): chr14:74,060,075, G>A on the plus strand (C>T on the coding strand, the complement: ALDH6A1 is on the minus strand). VCF-style: chr14-74060075-G-A. GRCh37 (hg19) VCF-style: chr14-74526778-G-A.
Other names: c.*567C>T (NM_001278593.2, NM_001278594.2); c.1578+2817G>A (NM_025057.3).
Identifiers: ClinVar variation 884943 (VCV000884943.4), dbSNP rs75199385, ClinGen allele CA263534592.
Genomic context (GRCh38, chr14:74,060,075, plus strand): 5'-TGCAGGAGGTCTCTCCCAGTGGCATTTAGGTAGCGCTATGTTTGAGGATCAACCAAAAGC[G>A]GTGAGTTATTTCTGTCCTGTTTCCCCATCTAAGAGTTCTTCTTGCAATTATTGGAACATC-3'

ClinVar aggregate classification (germline): Likely benign (1 of 4 stars; one submission).

Conditions:
Methylmalonate semialdehyde dehydrogenase deficiency (MMSDHD). Also called: MMSDH DEFICIENCY. Identifiers: Orphanet 289307, MedGen C3279840, MONDO:0013579, OMIM 614105.

Allele frequency attached by ClinVar (database versions not stated): gnomAD 0.00029 and 0.00052; gnomAD exomes 0.00040; TOPMed 0.00045; 1000 Genomes Project 30x 0.00297; 1000 Genomes Project 0.00300.
gnomAD v4.1: 81 of 157,384 alleles (0.051%); highest among the groups gnomAD compares: East Asian, 1.4%; 2 homozygotes.

Submission:

Illumina Laboratory Services, Illumina
Classification: Likely benign for Methylmalonate semialdehyde dehydrogenase deficiency. Last evaluated: 2018-01-13. Review status: criteria provided, single submitter. Criteria: ICSL Variant Classification Criteria 13 December 2019. Collection method: clinical testing. Allele origin: germline.
Comment: This variant was observed in the ICSL laboratory as part of a predisposition screen in an ostensibly healthy population. It had not been previously curated by ICSL or reported in the Human Gene Mutation Database (HGMD: prior to June 1st, 2018), and was therefore a candidate for classification through an automated scoring system. Utilizing variant allele frequency, disease prevalence and penetrance estimates, and inheritance mode, an automated score was calculated to assess if this variant is too frequent to cause the disease. Based on the score and internal cut-off values, a variant classified as likely benign is not then subjected to further curation. The score for this variant resulted in a classification of likely benign for this disease.